The following is an entry in ClinVar:

ClinVar aggregate classification (germline): Likely benign. Review status: criteria provided, multiple submitters, no conflicts (2 of 4 stars). 2 submissions from 2 submitters: Likely benign (2). Last evaluated 2026-01-18.

Conditions:
Progressive sclerosing poliodystrophy (MTDPS4A). Also called: Alpers-Huttenlocher Syndrome (AHS); Alpers Syndrome; ALPERS PROGRESSIVE INFANTILE POLIODYSTROPHY; Mitochondrial DNA depletion syndrome 4A (Alpers type); ALPERS DIFFUSE DEGENERATION OF CEREBRAL GRAY MATTER WITH HEPATIC CIRRHOSIS; Alpers-Huttenlocher Syndrome. Identifiers: Orphanet 726, MedGen C0205710, MONDO:0008758, OMIM 203700.

Allele frequency attached by ClinVar (database versions not stated): gnomAD exomes below 0.00001.
gnomAD v4.1: 5 of 1,613,304 alleles (0.00031%); highest among the groups gnomAD compares: Admixed American, 0.0017%; no homozygotes.

Submissions (2):

Labcorp Genetics (formerly Invitae), Labcorp
Classification: Likely benign for Progressive sclerosing poliodystrophy. Last evaluated: 2026-01-18. Review status: criteria provided, single submitter. Criteria: Invitae Variant Classification Sherloc (09022015). Collection method: clinical testing. Allele origin: germline.

Wong Mito Lab, Molecular and Human Genetics, Baylor College of Medicine
Classification: Likely benign for Progressive sclerosing poliodystrophy. Last evaluated: 2018-10-01. Review status: criteria provided, single submitter. Criteria: ACMG Guidelines, 2015. Collection method: clinical testing. Allele origin: germline.
Comment: The NM_002693.2:c.2982-16A>G (NP_002684.1:p.=) [GRCH38: NC_000015.10:g.89319366T>C] variant in POLG gene is interpretated to be a Likely Benign based on ACMG guidelines (PMID: 25741868). This variant meets the following evidence codes reported in the ACMG-guideline. BP4:Computational evidence/predictors indicate no impact on the POLG structure, function, or protein-protein interaction. BP6:Reputable source(s) without shared data suggest the variant is benign. Based on the evidence criteria codes applied, the variant is suggested to be Likely Benign.

NM_002693.3(POLG):c.2982-16A>G

Gene: POLG (DNA polymerase gamma, catalytic subunit; minus strand). Cytogenetic location: 15q26.1.
Variant type: single nucleotide variant.
Coding change: c.2982-16A>G on transcript NM_002693.3 (MANE Select); 16 bases into the intron before coding-DNA position 2982, A replaced by G.
Molecular consequence: intron variant.
Genome position (GRCh38, 1-based): chr15:89,319,366, T>C on the plus strand (A>G on the coding strand, the complement: POLG is on the minus strand). VCF-style: chr15-89319366-T-C. GRCh37 (hg19) VCF-style: chr15-89862597-T-C.
Other names: c.2982-16A>G (NM_001126131.2).
Identifiers: ClinVar variation 619473 (VCV000619473.6), dbSNP rs1567185886, ClinGen allele CA10602250.